The following is an entry in ClinVar:

NM_001267550.2(TTN):c.1398+216_1398+237dup

Gene: TTN (titin; minus strand). Cytogenetic location: 2q31.2.
Variant type: Duplication.
Coding change: c.1398+216_1398+237dup on transcript NM_001267550.2 (MANE Select); bases 216 to 237 of the intron after coding-DNA position 1398, 22 bases duplicated (GGCCAGAAATACCTGGGCTATA).
Molecular consequence: intron variant.
Genome position (GRCh38, 1-based): chr2:178,794,162-178,794,183, TATAGCCCAGGTATTTCTGGCC duplicated on the plus strand (GGCCAGAAATACCTGGGCTATA on the coding strand, the reverse complement: TTN is on the minus strand); duplicating any 22 consecutive bases within chr2:178,794,162-178,794,185 gives the same sequence; the c. name uses the placement nearest the transcript's 3' end. VCF-style (leftmost placement, unchanged base first): chr2-178794161-A-ATATAGCCCAGGTATTTCTGGCC. GRCh37 (hg19) VCF-style: chr2-179658888-A-ATATAGCCCAGGTATTTCTGGCC.
Other names: c.1398+237_1398+238insGGCCAGAAATACCTGGGCTATA (NM_001256850.1); c.1398+216_1398+237dup (NM_003319.4, NM_133437.4, NM_133432.3 and 3 more transcripts).
Identifiers: ClinVar variation 672924 (VCV000672924.1), dbSNP rs3835919, ClinGen allele CA60986228.

ClinVar aggregate classification (germline): Likely benign (1 of 4 stars; one submission).

Submission:

GeneDx
Classification: Likely benign. Last evaluated: 2018-06-16. Review status: criteria provided, single submitter. Criteria: GeneDx Variant Classification (06012015). Collection method: clinical testing. Allele origin: germline. Affected: yes.
Comment: This variant is considered likely benign or benign based on one or more of the following criteria: it is a conservative change, it occurs at a poorly conserved position in the protein, it is predicted to be benign by multiple in silico algorithms, and/or has population frequency not consistent with disease.